The following is an entry in ClinVar:

NM_001365999.1(SZT2):c.8660G>A (p.Arg2887Gln)

Gene: SZT2 (SZT2 subunit of KICSTOR complex; plus strand). Cytogenetic location: 1p34.2.
Variant type: single nucleotide variant.
Coding change: c.8660G>A on transcript NM_001365999.1 (MANE Select); coding-DNA position 8660, G replaced by A.
Protein change: p.Arg2887Gln; replaces arginine 2887 with glutamine.
Molecular consequence: missense variant.
Genome position (GRCh38, 1-based): chr1:43,443,631, G>A. VCF-style: chr1-43443631-G-A. GRCh37 (hg19) VCF-style: chr1-43909302-G-A.
Other names: c.8489G>A, p.Arg2830Gln (NM_015284.4); short protein forms R2830Q, R2887Q.
Identifiers: ClinVar variation 845092 (VCV000845092.5), dbSNP rs141085666, ClinGen allele CA810647.

ClinVar aggregate classification (germline): Uncertain significance (1 of 4 stars; one submission).

Allele frequency attached by ClinVar (database versions not stated): ExAC 0.00001; gnomAD 0.00001; gnomAD exomes 0.00001; TOPMed 0.00002; ESP Exome Variant Server 0.00008.
gnomAD v4.1: 10 of 1,614,046 alleles (0.00062%); highest among the groups gnomAD compares: African/African-American, 0.0027%; no homozygotes.

Submission:

Labcorp Genetics (formerly Invitae), Labcorp
Classification: Uncertain significance. Last evaluated: 2022-07-12. Review status: criteria provided, single submitter. Criteria: Invitae Variant Classification Sherloc (09022015). Collection method: clinical testing. Allele origin: germline.
Comment: This sequence change replaces arginine, which is basic and polar, with glutamine, which is neutral and polar, at codon 2830 of the SZT2 protein (p.Arg2830Gln). This variant is present in population databases (rs141085666, gnomAD 0.004%). This variant has not been reported in the literature in individuals affected with SZT2-related conditions. ClinVar contains an entry for this variant (Variation ID: 845092). Algorithms developed to predict the effect of missense changes on protein structure and function are either unavailable or do not agree on the potential impact of this missense change (SIFT: "Deleterious"; PolyPhen-2: "Probably Damaging"; Align-GVGD: "Class C0"). In summary, the available evidence is currently insufficient to determine the role of this variant in disease. Therefore, it has been classified as a Variant of Uncertain Significance.